The following is an entry in ClinVar:

NM_022114.4(PRDM16):c.1069C>T (p.Arg357Cys)

Gene: PRDM16 (PR/SET domain 16; plus strand). Cytogenetic location: 1p36.32.
Variant type: single nucleotide variant.
Coding change: c.1069C>T on transcript NM_022114.4 (MANE Select); coding-DNA position 1069, C replaced by T.
Protein change: p.Arg357Cys; replaces arginine 357 with cysteine.
Molecular consequence: missense variant.
Genome position (GRCh38, 1-based): chr1:3,405,531, C>T. VCF-style: chr1-3405531-C-T. GRCh37 (hg19) VCF-style: chr1-3322095-C-T.
Other names: c.1069C>T, p.Arg357Cys (NM_199454.3); short protein forms R357C.
Identifiers: ClinVar variation 2419870 (VCV002419870.6), dbSNP rs774523031, ClinGen allele CA544090.

ClinVar aggregate classification (germline): Uncertain significance (1 of 4 stars; one submission).

Conditions:
Left ventricular noncompaction 8 (LVNC8). Identifiers: Orphanet 154, Orphanet 54260, MedGen C3809288, MONDO:0014152, OMIM 615373.

Allele frequency attached by ClinVar (database versions not stated): TOPMed below 0.00001; gnomAD exomes 0.00001; ExAC 0.00003.
gnomAD v4.1: 6 of 1,602,952 alleles (0.00037%); highest among the groups gnomAD compares: East Asian, 0.0023%; no homozygotes.

Submission:

Labcorp Genetics (formerly Invitae), Labcorp
Classification: Uncertain significance for Left ventricular noncompaction 8. Last evaluated: 2025-02-19. Review status: criteria provided, single submitter. Criteria: Invitae Variant Classification Sherloc (09022015). Collection method: clinical testing. Allele origin: germline.
Comment: This sequence change replaces arginine, which is basic and polar, with cysteine, which is neutral and slightly polar, at codon 357 of the PRDM16 protein (p.Arg357Cys). This variant is present in population databases (rs774523031, gnomAD 0.007%). This variant has not been reported in the literature in individuals affected with PRDM16-related conditions. ClinVar contains an entry for this variant (Variation ID: 2419870). An algorithm developed to predict the effect of missense changes on protein structure and function (PolyPhen-2) suggests that this variant is likely to be disruptive. In summary, the available evidence is currently insufficient to determine the role of this variant in disease. Therefore, it has been classified as a Variant of Uncertain Significance.